The following is an entry in ClinVar:

ClinVar aggregate classification (germline): Uncertain significance. Review status: criteria provided, multiple submitters, no conflicts (2 of 4 stars). 2 submissions from 2 submitters: Uncertain significance (2). Last evaluated 2023-08-28.

Conditions:
Hereditary cancer-predisposing syndrome. Also called: Hereditary Cancer Syndrome; Hereditary neoplastic syndrome; Tumor predisposition; Neoplastic Syndromes, Hereditary. Identifiers: Orphanet 140162, MedGen C0027672, MeSH D009386, MONDO:0015356.
Renal cell carcinoma. Identifiers: Orphanet 217071, MedGen C0007134, MeSH D002292, MONDO:0005086, HP:0005584.

Allele frequency attached by ClinVar (database versions not stated): gnomAD exomes below 0.00001.
gnomAD v4.1: 1 of 1,614,024 alleles (0.000062%); highest among the groups gnomAD compares: Non-Finnish European, 0.000085%; no homozygotes.

Submissions (2):

Ambry Genetics
Classification: Uncertain significance for Hereditary cancer-predisposing syndrome. Last evaluated: 2023-08-28. Review status: criteria provided, single submitter. Criteria: Ambry Variant Classification Scheme 2023. Collection method: clinical testing. Allele origin: germline.
Comment: The p.S135N variant (also known as c.404G>A), located in coding exon 1 of the MET gene, results from a G to A substitution at nucleotide position 404. The serine at codon 135 is replaced by asparagine, an amino acid with highly similar properties. This amino acid position is highly conserved in available vertebrate species. In addition, this alteration is predicted to be tolerated by in silico analysis. Since supporting evidence is limited at this time, the clinical significance of this alteration remains unclear.

Labcorp Genetics (formerly Invitae), Labcorp
Classification: Uncertain significance for Renal cell carcinoma. Last evaluated: 2021-08-02. Review status: criteria provided, single submitter. Criteria: Invitae Variant Classification Sherloc (09022015). Collection method: clinical testing. Allele origin: germline.
Comment: In summary, the available evidence is currently insufficient to determine the role of this variant in disease. Therefore, it has been classified as a Variant of Uncertain Significance. Algorithms developed to predict the effect of missense changes on protein structure and function are either unavailable or do not agree on the potential impact of this missense change (SIFT: "Tolerated"; PolyPhen-2: "Probably Damaging"; Align-GVGD: "Class C0"). This variant has not been reported in the literature in individuals affected with MET-related conditions. This variant is not present in population databases (ExAC no frequency). This sequence change replaces serine with asparagine at codon 135 of the MET protein (p.Ser135Asn). The serine residue is moderately conserved and there is a small physicochemical difference between serine and asparagine.

NM_000245.4(MET):c.404G>A (p.Ser135Asn)

Gene: MET (MET proto-oncogene, receptor tyrosine kinase; plus strand). Cytogenetic location: 7q31.2.
Variant type: single nucleotide variant.
Coding change: c.404G>A on transcript NM_000245.4 (MANE Select); coding-DNA position 404, G replaced by A.
Protein change: p.Ser135Asn; replaces serine 135 with asparagine.
Molecular consequence: missense variant. On other transcripts: intron variant (1).
Genome position (GRCh38, 1-based): chr7:116,699,488, G>A. VCF-style: chr7-116699488-G-A. GRCh37 (hg19) VCF-style: chr7-116339542-G-A.
Other names: c.404G>A, p.Ser135Asn (NM_001127500.3, NM_001324401.3); c.-91+26911G>A (NM_001324402.2); c.404G>A (NM_001127500.1); short protein forms S135N.
Identifiers: ClinVar variation 1397736 (VCV001397736.7), dbSNP rs1203410917, ClinGen allele CA368969006.